The following is an entry in ClinVar:

ClinVar aggregate classification (germline): Conflicting classifications of pathogenicity. Review status: criteria provided, conflicting classifications (1 of 4 stars). 3 submissions from 3 submitters: Pathogenic (1); Likely pathogenic (1); Uncertain significance (1). Last evaluated 2024-01-11.

Conditions:
Cystinuria (CSNU). Also called: CYSTINURIA, TYPE I; CYSTINURIA, TYPE II; CYSTINURIA, TYPE III; Cystinuria, non-type I. Identifiers: Orphanet 214, MedGen C0010691, MONDO:0009067, OMIM 220100, HP:0003131.
SLC3A1-related disorder. Also called: SLC3A1-related condition.

Allele frequency attached by ClinVar (database versions not stated): ExAC 0.00004; gnomAD 0.00004; gnomAD exomes 0.00006 and 0.00005; TOPMed 0.00004; ESP Exome Variant Server 0.00008.
gnomAD v4.1: 95 of 1,613,998 alleles (0.0059%); highest among the groups gnomAD compares: Non-Finnish European, 0.008%; no homozygotes.

Submissions (3):

Fulgent Genetics
Classification: Likely pathogenic for Cystinuria. Last evaluated: 2024-01-11. Review status: criteria provided, single submitter. Criteria: ACMG Guidelines, 2015. Collection method: clinical testing. Allele origin: germline.

Blueprint Genetics
Classification: Pathogenic for SLC3A1-related disorders. Last evaluated: 2023-11-13. Review status: criteria provided, single submitter. Criteria: ACMG Guidelines, 2015. Collection method: clinical testing. Allele origin: germline. Affected: yes. Observed: 5 variant alleles.

Labcorp Genetics (formerly Invitae), Labcorp
Classification: Uncertain significance for Cystinuria. Last evaluated: 2020-02-05. Review status: criteria provided, single submitter. Criteria: Invitae Variant Classification Sherloc (09022015). Collection method: clinical testing. Allele origin: germline.
Comment: This variant is present in population databases (rs146963107, ExAC 0.007%). In summary, the available evidence is currently insufficient to determine the role of this variant in disease. Therefore, it has been classified as a Variant of Uncertain Significance. Algorithms developed to predict the effect of missense changes on protein structure and function are either unavailable or do not agree on the potential impact of this missense change (SIFT: "Deleterious"; PolyPhen-2: "Probably Damaging"; Align-GVGD: "Class C0"). This variant has been observed in individuals with cystinuria (PMID: 25964309, 11748844, 28717662, 25109415). This sequence change replaces phenylalanine with serine at codon 599 of the SLC3A1 protein (p.Phe599Ser). The phenylalanine residue is highly conserved and there is a large physicochemical difference between phenylalanine and serine.

Literature cited by the submitters: PubMed 25964309 (cited by Labcorp Genetics (formerly Invitae), Labcorp); PubMed 11748844 (cited by Labcorp Genetics (formerly Invitae), Labcorp); PubMed 28717662 (cited by Labcorp Genetics (formerly Invitae), Labcorp); PubMed 25109415 (cited by Labcorp Genetics (formerly Invitae), Labcorp).

NM_000341.4(SLC3A1):c.1796T>C (p.Phe599Ser)

Genes: PREPL (prolyl endopeptidase like; minus strand), SLC3A1 (solute carrier family 3 member 1; plus strand). Cytogenetic location: 2p21.
Variant type: single nucleotide variant.
Coding change: c.1796T>C on transcript NM_000341.4 (MANE Select); coding-DNA position 1796, T replaced by C.
Protein change: p.Phe599Ser; replaces phenylalanine 599 with serine.
Molecular consequence: missense variant. On other transcripts: 3 prime UTR variant (10).
Genome position (GRCh38, 1-based): chr2:44,320,377, T>C. VCF-style: chr2-44320377-T-C. GRCh37 (hg19) VCF-style: chr2-44547516-T-C.
Other names: c.*979A>G (NM_001042385.2, NM_001042386.2, NM_001171603.1 and 7 more transcripts); short protein forms F599S.
Identifiers: ClinVar variation 1001980 (VCV001001980.10), dbSNP rs146963107, ClinGen allele CA1640762.